The following is an entry in ClinVar:

ClinVar aggregate classification (germline): Uncertain significance. Review status: criteria provided, multiple submitters, no conflicts (2 of 4 stars). 2 submissions from 2 submitters: Uncertain significance (2). Last evaluated 2025-09-01.

Conditions:
Idiopathic generalized epilepsy. Also called: Generalised epilepsy; EIG. Identifiers: MedGen C0270850, MONDO:0005579, OMIM 600669.

Allele frequency attached by ClinVar (database versions not stated): TOPMed below 0.00001; 1000 Genomes Project 30x 0.00016; 1000 Genomes Project 0.00020.
gnomAD v4.1: 9 of 1,337,380 alleles (0.00067%); highest among the groups gnomAD compares: South Asian, 0.0064%; no homozygotes.

Submissions (2):

Ambry Genetics
Classification: Uncertain significance. Last evaluated: 2025-09-01. Review status: criteria provided, single submitter. Criteria: Ambry Variant Classification Scheme 2023. Collection method: clinical testing. Allele origin: germline.

Labcorp Genetics (formerly Invitae), Labcorp
Classification: Uncertain significance for Idiopathic generalized epilepsy. Last evaluated: 2025-06-15. Review status: criteria provided, single submitter. Criteria: Invitae Variant Classification Sherloc (09022015). Collection method: clinical testing. Allele origin: germline.
Comment: This sequence change replaces alanine, which is neutral and non-polar, with threonine, which is neutral and polar, at codon 68 of the RBFOX3 protein (p.Ala68Thr). The frequency data for this variant in the population databases is considered unreliable, as metrics indicate poor data quality at this position in the gnomAD database. This variant has not been reported in the literature in individuals affected with RBFOX3-related conditions. ClinVar contains an entry for this variant (Variation ID: 1388192). Invitae Evidence Modeling of protein sequence and biophysical properties (such as structural, functional, and spatial information, amino acid conservation, physicochemical variation, residue mobility, and thermodynamic stability) indicates that this missense variant is not expected to disrupt RBFOX3 protein function with a negative predictive value of 80%. In summary, the available evidence is currently insufficient to determine the role of this variant in disease. Therefore, it has been classified as a Variant of Uncertain Significance.

NM_001350451.2(RBFOX3):c.202G>A (p.Ala68Thr)

Gene: RBFOX3 (RNA binding fox-1 homolog 3; minus strand). Cytogenetic location: 17q25.3.
Variant type: single nucleotide variant.
Coding change: c.202G>A on transcript NM_001350451.2 (MANE Select); coding-DNA position 202, G replaced by A.
Protein change: p.Ala68Thr; replaces alanine 68 with threonine.
Molecular consequence: missense variant.
Genome position (GRCh38, 1-based): chr17:79,115,514, C>T on the plus strand (G>A on the coding strand, the complement: RBFOX3 is on the minus strand). VCF-style: chr17-79115514-C-T. GRCh37 (hg19) VCF-style: chr17-77111596-C-T.
Other names: c.202G>A (NM_001082575.1); c.202G>A, p.Ala68Thr (NM_001082575.3, NM_001350453.2, NM_001385804.1 and 43 more transcripts); short protein forms A68T.
Identifiers: ClinVar variation 1388192 (VCV001388192.9), dbSNP rs557599713, ClinGen allele CA294803977.